The following is an entry in ClinVar:

NM_020822.3(KCNT1):c.357C>A (p.Asn119Lys)

Gene: KCNT1 (potassium sodium-activated channel subfamily T member 1; plus strand). Cytogenetic location: 9q34.3.
Variant type: single nucleotide variant.
Coding change: c.357C>A on transcript NM_020822.3 (MANE Select); coding-DNA position 357, C replaced by A.
Protein change: p.Asn119Lys; replaces asparagine 119 with lysine.
Molecular consequence: missense variant.
Genome position (GRCh38, 1-based): chr9:135,750,964, C>A. VCF-style: chr9-135750964-C-A. GRCh37 (hg19) VCF-style: chr9-138642810-C-A.
Other names: c.213C>A, p.Asn71Lys (NM_001272003.2); short protein forms N71K, N119K.
Identifiers: ClinVar variation 1305328 (VCV001305328.6), dbSNP rs1831125430, ClinGen allele CA375494928.

ClinVar aggregate classification (germline): Uncertain significance. Review status: criteria provided, multiple submitters, no conflicts (2 of 4 stars). 2 submissions from 2 submitters: Uncertain significance (2). Last evaluated 2022-04-16.

Conditions:
Developmental and epileptic encephalopathy, 14 (DEE14). Also called: Early infantile epileptic encephalopathy 14. Identifiers: Orphanet 293181, MedGen C3554195, MONDO:0013989, OMIM 614959.
Autosomal dominant nocturnal frontal lobe epilepsy 5. Also called: KCNT1-Related Epilepsy; CILIARY DYSKINESIA, PRIMARY, 28, WITHOUT SITUS INVERSUS; CILIARY DYSKINESIA, PRIMARY, 28, WITH SITUS INVERSUS; Epilepsy, nocturnal frontal lobe, 5. Identifiers: Orphanet 98784, MedGen C3554306, MONDO:0014002, OMIM 615005.

Allele frequency attached by ClinVar (database versions not stated): gnomAD exomes below 0.00001; TOPMed below 0.00001.
gnomAD v4.1: 1 of 1,613,278 alleles (0.000062%); highest among the groups gnomAD compares: Admixed American, 0.0017%; no homozygotes.

Submissions (2):

Labcorp Genetics (formerly Invitae), Labcorp
Classification: Uncertain significance for Autosomal dominant nocturnal frontal lobe epilepsy 5; Developmental and epileptic encephalopathy, 14. Last evaluated: 2022-04-16. Review status: criteria provided, single submitter. Criteria: Invitae Variant Classification Sherloc (09022015). Collection method: clinical testing. Allele origin: germline.
Comment: This sequence change replaces asparagine, which is neutral and polar, with lysine, which is basic and polar, at codon 119 of the KCNT1 protein (p.Asn119Lys). This variant is not present in population databases (gnomAD no frequency). This variant has not been reported in the literature in individuals affected with KCNT1-related conditions. ClinVar contains an entry for this variant (Variation ID: 1305328). Advanced modeling of protein sequence and biophysical properties (such as structural, functional, and spatial information, amino acid conservation, physicochemical variation, residue mobility, and thermodynamic stability) performed at Invitae indicates that this missense variant is expected to disrupt KCNT1 protein function. In summary, the available evidence is currently insufficient to determine the role of this variant in disease. Therefore, it has been classified as a Variant of Uncertain Significance.

GeneDx
Classification: Uncertain significance. Last evaluated: 2019-04-25. Review status: criteria provided, single submitter. Criteria: GeneDx Variant Classification Process June 2021. Collection method: clinical testing. Allele origin: germline. Affected: yes.
Comment: Has not been previously published as pathogenic or benign to our knowledge; In silico analysis, which includes protein predictors and evolutionary conservation, supports a deleterious effect; Not observed in large population cohorts (Lek et al., 2016)